The following is an entry in ClinVar:

ClinVar aggregate classification (germline): Uncertain significance (1 of 4 stars; one submission).

Submission:

Labcorp Genetics (formerly Invitae), Labcorp
Classification: Uncertain significance. Last evaluated: 2022-04-06. Review status: criteria provided, single submitter. Criteria: Invitae Variant Classification Sherloc (09022015). Collection method: clinical testing. Allele origin: germline.
Comment: In summary, the available evidence is currently insufficient to determine the role of this variant in disease. Therefore, it has been classified as a Variant of Uncertain Significance. Algorithms developed to predict the effect of missense changes on protein structure and function (SIFT, PolyPhen-2, Align-GVGD) all suggest that this variant is likely to be disruptive. This variant has not been reported in the literature in individuals affected with CWC27-related conditions. This variant is not present in population databases (gnomAD no frequency). This sequence change replaces proline, which is neutral and non-polar, with leucine, which is neutral and non-polar, at codon 170 of the CWC27 protein (p.Pro170Leu).

NM_005869.4(CWC27):c.509C>T (p.Pro170Leu)

Gene: CWC27 (CWC27 spliceosome associated cyclophilin; plus strand). Cytogenetic location: 5q12.3.
Variant type: single nucleotide variant.
Coding change: c.509C>T on transcript NM_005869.4 (MANE Select); coding-DNA position 509, C replaced by T.
Protein change: p.Pro170Leu; replaces proline 170 with leucine.
Molecular consequence: missense variant.
Genome position (GRCh38, 1-based): chr5:64,786,537, C>T. VCF-style: chr5-64786537-C-T. GRCh37 (hg19) VCF-style: chr5-64082364-C-T.
Other names: c.509C>T, p.Pro170Leu (NM_001297644.1, NM_001297645.2, NM_001318000.2 and 1 more transcripts); short protein forms P170L.
Identifiers: ClinVar variation 2121942 (VCV002121942.4), dbSNP rs2531267138, ClinGen allele CA359846501.